The following is an entry in ClinVar:

ClinVar aggregate classification (germline): Benign/Likely benign. Review status: criteria provided, multiple submitters, no conflicts (2 of 4 stars). 3 submissions from 3 submitters: Benign (1); Likely benign (1). 1 of the submissions does not count toward it. Last evaluated 2024-08-23.

Conditions:
TWIST1-related craniosynostosis (CRS1). Also called: CRANIOSYNOSTOSIS 1. Identifiers: Orphanet 63440, MedGen C4551902, MONDO:0007399, OMIM 123100. Inheritance: Heterogenous inheritance pattern.
ERF-related disorder. Also called: ERF-related condition; ERF-related disorders.

Allele frequency attached by ClinVar (database versions not stated): gnomAD exomes 0.00029 and 0.00100; gnomAD 0.00030 and 0.00042; TOPMed 0.00046; ExAC 0.00091; 1000 Genomes Project 0.00160; 1000 Genomes Project 30x 0.00203.
gnomAD v4.1: 465 of 1,514,074 alleles (0.031%); highest among the groups gnomAD compares: East Asian, 0.66%; 2 homozygotes.

Submissions (3):

Labcorp Genetics (formerly Invitae), Labcorp
Classification: Benign for TWIST1-related craniosynostosis. Last evaluated: 2024-08-23. Review status: criteria provided, single submitter. Criteria: Invitae Variant Classification Sherloc (09022015). Collection method: clinical testing. Allele origin: germline.

Blueprint Genetics
Classification: Likely benign. Last evaluated: 2024-05-29. Review status: criteria provided, single submitter. Criteria: ACMG Guidelines, 2015. Collection method: clinical testing. Allele origin: germline.

PreventionGenetics, part of Exact Sciences
Classification: Benign for ERF-related condition. Last evaluated: 2024-09-09. Review status: no assertion criteria provided. Collection method: clinical testing. Allele origin: germline. Not counted in ClinVar's aggregate classification.
Comment: This variant is classified as benign based on ACMG/AMP sequence variant interpretation guidelines (Richards et al. 2015 PMID: 25741868, with internal and published modifications).

NM_006494.4(ERF):c.1614G>A (p.Thr538=)

Gene: ERF (ETS2 repressor factor; minus strand). Cytogenetic location: 19q13.2.
Variant type: single nucleotide variant.
Coding change: c.1614G>A on transcript NM_006494.4 (MANE Select); coding-DNA position 1614, G replaced by A.
Protein change: p.Thr538=; no amino-acid change (threonine 538 retained).
Molecular consequence: synonymous variant.
Genome position (GRCh38, 1-based): chr19:42,248,498, C>T on the plus strand (G>A on the coding strand, the complement: ERF is on the minus strand). VCF-style: chr19-42248498-C-T. GRCh37 (hg19) VCF-style: chr19-42752650-C-T.
Other names: c.1389G>A, p.Thr463= (NM_001301035.2, NM_001308402.2, NM_001312656.2).
Identifiers: ClinVar variation 707601 (VCV000707601.11), dbSNP rs183334082, ClinGen allele CA9471125.